The following is an entry in ClinVar:

NM_001101362.3(KBTBD13):c.1222C>T (p.Arg408Cys)

Gene: KBTBD13 (kelch repeat and BTB domain containing 13; plus strand). Cytogenetic location: 15q22.31.
Variant type: single nucleotide variant.
Coding change: c.1222C>T on transcript NM_001101362.3 (MANE Select); coding-DNA position 1222, C replaced by T.
Protein change: p.Arg408Cys; replaces arginine 408 with cysteine.
Molecular consequence: missense variant.
Genome position (GRCh38, 1-based): chr15:65,078,037, C>T. VCF-style: chr15-65078037-C-T. GRCh37 (hg19) VCF-style: chr15-65370375-C-T.
Other names: short protein forms R408C.
Identifiers: ClinVar variation 31062 (VCV000031062.13), dbSNP rs387907090, ClinGen allele CA259981.

ClinVar aggregate classification (germline): Pathogenic. Review status: criteria provided, single submitter (1 of 4 stars). 2 submissions from 2 submitters: Pathogenic (1). 1 of the submissions does not count toward it. Last evaluated 2022-03-08.

Conditions:
Nemaline myopathy 6 (NEM6). Also called: Nemaline myopathy 6, autosomal dominant. Identifiers: Orphanet 171439, MedGen C1836472, MONDO:0012237, OMIM 609273.

Submissions (2):

Labcorp Genetics (formerly Invitae), Labcorp
Classification: Pathogenic for Nemaline myopathy 6. Last evaluated: 2022-03-08. Review status: criteria provided, single submitter. Criteria: Invitae Variant Classification Sherloc (09022015). Collection method: clinical testing. Allele origin: germline.
Comment: For these reasons, this variant has been classified as Pathogenic. Algorithms developed to predict the effect of missense changes on protein structure and function are either unavailable or do not agree on the potential impact of this missense change (SIFT: "Deleterious"; PolyPhen-2: "Probably Damaging"; Align-GVGD: "Class C15"). ClinVar contains an entry for this variant (Variation ID: 31062). This missense change has been observed in individual(s) with nemaline myopathy (PMID: 21109227, 31828823). In at least one individual the variant was observed to be de novo. It has also been observed to segregate with disease in related individuals. This variant is not present in population databases (gnomAD no frequency). This sequence change replaces arginine, which is basic and polar, with cysteine, which is neutral and slightly polar, at codon 408 of the KBTBD13 protein (p.Arg408Cys).

OMIM
Classification: Pathogenic for NEMALINE MYOPATHY 6. Last evaluated: 2010-12-10. Review status: no assertion criteria provided. Collection method: literature only. Allele origin: germline. Not counted in ClinVar's aggregate classification.

Literature cited by the submitters: PubMed 21109227 (cited by Labcorp Genetics (formerly Invitae), Labcorp and OMIM); PubMed 31828823 (cited by Labcorp Genetics (formerly Invitae), Labcorp); PubMed 12805120 (cited by OMIM).